The following is an entry in ClinVar:

ClinVar aggregate classification (germline): Pathogenic. Review status: criteria provided, multiple submitters, no conflicts (2 of 4 stars). 4 submissions from 4 submitters: Pathogenic (3). 1 of the submissions does not count toward it. Last evaluated 2025-10-06.

Conditions:
CAPN5-related disorder. Also called: CAPN5-related condition.
Autosomal dominant neovascular inflammatory vitreoretinopathy. Also called: CAPN5-related vitreoretinopathy. Identifiers: Orphanet 329211, MedGen C4721549, MONDO:0100450.
Proliferative vitreoretinopathy. Also called: Vitreoretinopathy, neovascular inflammatory. Identifiers: Orphanet 329211, MedGen C0242852, MONDO:0700115, OMIM 193235.

Submissions (4):

GeneDx
Classification: Pathogenic. Last evaluated: 2025-10-06. Review status: criteria provided, single submitter. Criteria: GeneDx Variant Classification Process June 2021. Collection method: clinical testing. Allele origin: germline.
Comment: Published functional studies found this variant is associated with significantly increased catalytic activity (PMID: 25994508); Transgenic mouse model with this variant exhibits a phenotype similar to that seen in humans (PMID: 24381307, 25994508); Not observed at significant frequency in large population cohorts (gnomAD); In silico analysis supports that this missense variant has a deleterious effect on protein structure/function; This variant is associated with the following publications: (PMID: 23055945, 32707200, 25856303, 32274441, 2234842, 25994508, 24381307)

Labcorp Genetics (formerly Invitae), Labcorp
Classification: Pathogenic. Last evaluated: 2024-07-17. Review status: criteria provided, single submitter. Criteria: Invitae Variant Classification Sherloc (09022015). Collection method: clinical testing. Allele origin: germline.
Comment: This sequence change replaces arginine, which is basic and polar, with leucine, which is neutral and non-polar, at codon 243 of the CAPN5 protein (p.Arg243Leu). This variant is not present in population databases (gnomAD no frequency). This missense change has been observed in individual(s) with autosomal dominant neovascular inflammatory vitreoretinopathy (PMID: 23055945). It has also been observed to segregate with disease in related individuals. ClinVar contains an entry for this variant (Variation ID: 39806). Advanced modeling of protein sequence and biophysical properties (such as structural, functional, and spatial information, amino acid conservation, physicochemical variation, residue mobility, and thermodynamic stability) performed at Invitae indicates that this missense variant is not expected to disrupt CAPN5 protein function with a negative predictive value of 80%. Experimental studies have shown that this missense change affects CAPN5 function (PMID: 23055945, 24381307, 25994508). For these reasons, this variant has been classified as Pathogenic.

Blueprint Genetics
Classification: Pathogenic for CAPN5-related disorders. Last evaluated: 2022-09-02. Review status: criteria provided, single submitter. Criteria: ACMG Guidelines, 2015. Collection method: clinical testing. Allele origin: germline. Affected: yes. Observed: 5 variant alleles.

OMIM
Classification: Pathogenic for VITREORETINOPATHY, NEOVASCULAR INFLAMMATORY. Last evaluated: 2012-01-01. Review status: no assertion criteria provided. Collection method: literature only. Allele origin: germline. Not counted in ClinVar's aggregate classification.

Literature cited by the submitters: PubMed 23055945 (cited by Labcorp Genetics (formerly Invitae), Labcorp and OMIM); PubMed 24381307 (cited by Labcorp Genetics (formerly Invitae), Labcorp); PubMed 25994508 (cited by Labcorp Genetics (formerly Invitae), Labcorp); PubMed 2234842 (cited by OMIM).

NM_004055.5(CAPN5):c.728G>T (p.Arg243Leu)

Gene: CAPN5 (calpain 5; plus strand). Cytogenetic location: 11q13.5.
Variant type: single nucleotide variant.
Coding change: c.728G>T on transcript NM_004055.5 (MANE Select); coding-DNA position 728, G replaced by T.
Protein change: p.Arg243Leu; replaces arginine 243 with leucine.
Molecular consequence: missense variant.
Genome position (GRCh38, 1-based): chr11:77,115,423, G>T. VCF-style: chr11-77115423-G-T. GRCh37 (hg19) VCF-style: chr11-76826469-G-T.
Other names: short protein forms R243L.
Identifiers: ClinVar variation 39806 (VCV000039806.16), dbSNP rs397514601, ClinGen allele CA130571.